The following is an entry in ClinVar:

NM_019074.4(DLL4):c.1424G>C (p.Cys475Ser)

Gene: DLL4 (delta like canonical Notch ligand 4; plus strand). Cytogenetic location: 15q15.1.
Variant type: single nucleotide variant.
Coding change: c.1424G>C on transcript NM_019074.4 (MANE Select); coding-DNA position 1424, G replaced by C.
Protein change: p.Cys475Ser; replaces cysteine 475 with serine.
Molecular consequence: missense variant.
Genome position (GRCh38, 1-based): chr15:40,936,411, G>C. VCF-style: chr15-40936411-G-C. GRCh37 (hg19) VCF-style: chr15-41228609-G-C.
Other names: short protein forms C475S.
Identifiers: ClinVar variation 3600511 (VCV003600511.1).

ClinVar aggregate classification (germline): Likely pathogenic (1 of 4 stars; one submission).

Conditions:
Adams-Oliver syndrome 6 (AOS6). Identifiers: Orphanet 974, MedGen C4225271, MONDO:0014703, OMIM 616589.

Submission:

Clinical Genomics Laboratory, Washington University in St. Louis
Classification: Likely pathogenic for Adams-Oliver syndrome 6. Last evaluated: 2024-12-12. Review status: criteria provided, single submitter. Criteria: ACMG Guidelines, 2015. Collection method: clinical testing. Allele origin: germline. Affected: yes.
Comment: The DLL4 c.1424G>C (p.Cys475Ser) variant, to our knowledge, has not been reported in the medical literature. This variant is absent from the general population (gnomAD v.2.1.1), indicating it is not a common variant. This variant is a cysteine substitution within the EGF domains of DLL4, which is considered strong evidence of pathogenicity, similar to null variants (Meester JAN et al., PMID: 29924900; PMID: 26299364). Computational predictors also indicate that the variant is damaging, evidence that correlates with impact to DLL4 function. Based on available information and the ACMG/AMP guidelines for variant interpretation (Richards S et al., PMID: 25741868), this variant is classified as likely pathogenic.